The following continues an entry in ClinVar:

NM_000051.4(ATM):c.4709T>C (p.Val1570Ala)

Gene: ATM. ClinVar aggregate classification (germline): Conflicting classifications of pathogenicity. Uncertain significance (8); Benign (4); Likely benign (17).

Submissions 18 to 37 of 37:

Women's Health and Genetics/Laboratory Corporation of America, LabCorp
Classification: Benign. Last evaluated: 2022-10-13. Review status: criteria provided, single submitter. Criteria: LabCorp Variant Classification Summary - May 2015. Collection method: clinical testing. Allele origin: germline.
Comment: Variant summary: ATM c.4709T>C (p.Val1570Ala) results in a non-conservative amino acid change in the encoded protein sequence. Four of five in-silico tools predict a benign effect of the variant on protein function. The variant allele was found at a frequency of 0.00041 in 251524 control chromosomes, predominantly at a frequency of 0.00072 within the Non-Finnish European subpopulation in the gnomAD database. This frequency is not significantly higher than expected for a pathogenic variant in ATM causing Breast Cancer (0.00041 vs 0.001), allowing no conclusion about variant significance. c.4709T>C has been reported in the literature as a VUS/likely benign variant in settings of multigene panel testing on individuals affected with various cancer phenotypes (e.g. Izatt, 1999, Dork_2001, Gumy-Pause_2006, Bernstein_2010, Haiman_2013, Maxwell_2016, Grasel_2020, Bandeira_2021) without strong evidence for causality. One of these studies reported this variant within settings of loss of heterozygosity (LOH) of the normal allele in a family where it did not clearly segregate with cancer (Grasel_2020). These report(s) do not provide unequivocal conclusions about association of the variant with Ataxia-Telangiectasia/ATM-related cancers. At-least one co-occurrence with another pathogenic variant(s) have been observed at our laboratory (BRCA2 c.9097dupA, p.Thr3033fsX11), providing supporting evidence for a benign role. To our knowledge, no experimental evidence demonstrating an impact on protein function has been reported. Multiple clinical diagnostic laboratories have submitted clinical-significance assessments for this variant to ClinVar after 2014 without evidence for independent evaluation. Multiple laboratories reported the variant with conflicting assessments (benign/likely benign, n=7; VUS, n=10). Some submitters cite overlapping but not identical evidence utilized in the context of this evaluation. At-least one submitter reports a non-specified co-occurrence with mutation in same gene (phase unknown) as a basis of their likely benign classification. Based on the evidence outlined above, the variant was classified as benign.

Quest Diagnostics Nichols Institute San Juan Capistrano
Classification: Likely benign. Last evaluated: 2022-06-13. Review status: criteria provided, single submitter. Criteria: Quest Diagnostics criteria. Collection method: clinical testing. Allele origin: unknown.

Institute for Clinical Genetics, University Hospital TU Dresden, University Hospital TU Dresden
Classification: Uncertain significance. Last evaluated: 2021-11-03. Review status: criteria provided, single submitter. Criteria: ACMG Guidelines, 2015. Collection method: clinical testing. Allele origin: germline.

Sema4
Classification: Likely benign for Hereditary cancer-predisposing syndrome. Last evaluated: 2021-07-21. Review status: criteria provided, single submitter. Criteria: Sema4 Curation Guidelines. Collection method: curation. Allele origin: germline.

Revvity Omics, Revvity
Classification: Uncertain significance for Ataxia-telangiectasia syndrome. Last evaluated: 2020-03-23. Review status: criteria provided, single submitter. Criteria: ACMG Guidelines, 2015. Collection method: clinical testing. Allele origin: germline.

Centre for Mendelian Genomics, University Medical Centre Ljubljana
Classification: Uncertain significance for Familial cancer of breast. Last evaluated: 2020-01-27. Review status: criteria provided, single submitter. Criteria: ACMG Guidelines, 2015. Collection method: clinical testing. Allele origin: unknown. Affected: yes.
Comment: This variant was classified as: Uncertain significance.

Ambry Genetics
Classification: Likely benign for Hereditary cancer-predisposing syndrome. Last evaluated: 2018-09-30. Review status: criteria provided, single submitter. Criteria: Ambry Variant Classification Scheme 2023. Collection method: clinical testing. Allele origin: germline.

GeneDx
Classification: Uncertain significance. Last evaluated: 2018-01-19. Review status: criteria provided, single submitter. Criteria: GeneDx Variant Classification (06012015). Collection method: clinical testing. Allele origin: germline. Affected: yes.
Comment: This variant is denoted ATM c.4709T>C at the cDNA level, p.Val1570Ala (V1570A) at the protein level, and results in the change of a Valine to an Alanine (GTT>GCT). This variant has been reported in several individuals with breast cancer, one with prostate cancer, and at least one with advanced cancer of unspecified type, as well as in an individual with a personal history of a Lynch syndrome-related cancer and/or polyps (Izatt 1999, Dork 2001, Pugh 2009, Tavtigian 2009, Yurgelun 2015, Maxwell, 2016, Tung 2016, Mandelker 2017). ATM Val1570Ala was observed at an allele frequency of 0.07% (91/126,354) in individuals of European ancestry in large population cohorts (Lek 2016). This variant is not located in a known functional domain. In silico analysis, which includes protein predictors and evolutionary conservation, supports that this variant does not alter protein structure/function. Based on currently available evidence, it is unclear whether ATM Val1570Ala is a pathogenic or benign variant. We consider it to be a variant of uncertain significance.

Clinical Genetics DNA and cytogenetics Diagnostics Lab, Erasmus MC, Erasmus Medical Center
Classification: Likely benign for Ataxia-telangiectasia syndrome. Last evaluated: 2017-10-17. Review status: criteria provided, single submitter. Criteria: ACGS Guidelines, 2013. Collection method: clinical testing. Allele origin: germline. Affected: yes. Study: VKGL Data-share Consensus.

Illumina Laboratory Services, Illumina
Classification: Uncertain significance for Ataxia-telangiectasia syndrome. Last evaluated: 2017-04-27. Review status: criteria provided, single submitter. Criteria: ICSL Variant Classification Criteria 13 December 2019. Collection method: clinical testing. Allele origin: germline.
Comment: This variant was observed as part of a predisposition screen in an ostensibly healthy population. A literature search was performed for the gene, cDNA change, and amino acid change (where applicable). Publications were found based on this search. However, the evidence from the literature, in combination with allele frequency data from public databases where available, was not sufficient to rule this variant in or out of causing disease. Therefore, this variant is classified as a variant of unknown significance.

Genetic Services Laboratory, University of Chicago
Classification: Uncertain significance. Last evaluated: 2016-10-18. Review status: criteria provided, single submitter. Criteria: ACMG Guidelines, 2015. Collection method: clinical testing. Allele origin: germline. Affected: no.

Genome Diagnostics Laboratory, University Medical Center Utrecht
Classification: Likely benign for Ataxia-telangiectasia syndrome. Last evaluated: 2014-10-09. Review status: criteria provided, single submitter. Criteria: ACGS Guidelines, 2013. Collection method: clinical testing. Allele origin: germline. Affected: yes. Study: VKGL Data-share Consensus.

Counsyl
Classification: Uncertain significance for Ataxia-telangiectasia syndrome. Last evaluated: 2017-06-13. Review status: no assertion criteria provided. Collection method: clinical testing. Allele origin: unknown. Not counted in ClinVar's aggregate classification.

Clinical Genetics Laboratory, Department of Pathology, Netherlands Cancer Institute
Classification: Likely benign. Review status: no assertion criteria provided. Collection method: clinical testing. Allele origin: germline. Affected: yes. Study: VKGL Data-share Consensus. Not counted in ClinVar's aggregate classification.

Clinical Genetics, Academic Medical Center
Classification: Likely benign. Review status: no assertion criteria provided. Collection method: clinical testing. Allele origin: germline. Affected: yes. Study: VKGL Data-share Consensus. Not counted in ClinVar's aggregate classification.

Department of Pathology and Laboratory Medicine, Sinai Health System
Classification: Uncertain significance for Malignant tumor of breast. Review status: no assertion criteria provided. Collection method: clinical testing. Allele origin: unknown. Affected: yes. Study: The Canadian Open Genetics Repository (COGR). Not counted in ClinVar's aggregate classification.
Comment: The ATM p.Val1570Ala variant was identified in 7 of 12586 proband chromosomes (frequency: 0.0005) from U.S., Canadian, German and British individuals or families with breast cancer, Lynch syndrome or prostate cancer and was not identified in 4998 control chromosomes from healthy individuals (Tavtigian 2009, Tung 2016, Izzat 2009, Dork 2001, Yurgelin 2015, Pugh 2009). The variant was also identified in dbSNP (ID: rs140856217) as â€šÃ„ÃºWith Uncertain significance alleleâ€šÃ„Ã¹, ClinVar and Clinvitae (1x classified as likely benign by Ambry Genetics, 2x uncertain significance by GeneDx and Invitae). The variant was not identified in the COGR, COSMIC, MutDB, or the LOVD 3.0 databases. The variant was identified in control databases in 112 of 276738 chromosomes at a frequency of 0.0004 in the following populations: European non-Finnish 91 of 126354 chromosomes (freq. 0.0007); â€šÃ„ÃºOtherâ€šÃ„Ã¹ in 3 of 6464 chromosomes (freq. 0.0005); Latino in 15 of 34400 chromosomes (freq. 0.0004); European Finnish in 2 of 25720 chromosomes (freq. 0.00008); African in 1 of 24028 chromosomes (freq. 0.00004) (Genome Aggregation Consortium Feb 27, 2017). The p.Val1570Ala residue is not conserved in mammals and computational analyses (PolyPhen-2, SIFT, AlignGVGD, BLOSUM, MutationTaster) do not suggest a high likelihood of impact to the protein; however, this information is not predictive enough to rule out pathogenicity. The variant occurs outside of the splicing consensus sequence and 1 of 5 in silico or computational prediction software programs (SpliceSiteFinder, MaxEntScan, NNSPLICE, GeneSplicer, HumanSpliceFinder) predict a greater than 10% difference in splicing; this is not very predictive of pathogenicity. In summary, based on the above information the clinical significance of this variant cannot be determined with certainty at this time. This variant is classified as a variant of uncertain significance.

Diagnostic Laboratory, Department of Genetics, University Medical Center Groningen
Classification: Likely benign. Review status: no assertion criteria provided. Collection method: clinical testing. Allele origin: germline. Affected: yes. Study: VKGL Data-share Consensus. Not counted in ClinVar's aggregate classification.

Genome Diagnostics Laboratory, Amsterdam University Medical Center
Classification: Likely benign. Review status: no assertion criteria provided. Collection method: clinical testing. Allele origin: germline. Affected: yes. Study: VKGL Data-share Consensus. Not counted in ClinVar's aggregate classification.

Joint Genome Diagnostic Labs from Nijmegen and Maastricht, Radboudumc and MUMC+
Classification: Likely benign. Review status: no assertion criteria provided. Collection method: clinical testing. Allele origin: germline. Affected: yes. Study: VKGL Data-share Consensus. Not counted in ClinVar's aggregate classification.

Laboratory of Diagnostic Genome Analysis, Leiden University Medical Center (LUMC)
Classification: Likely benign. Review status: no assertion criteria provided. Collection method: clinical testing. Allele origin: germline. Affected: yes. Study: VKGL Data-share Consensus. Not counted in ClinVar's aggregate classification.

Literature cited by the submitters: PubMed 25085752 (cited by Myriad Genetics, Inc.); PubMed 27621404 (cited by 3 submitters); PubMed 23555315 (cited by 3 submitters); PubMed 20305132 (cited by 3 submitters); PubMed 32659497 (cited by Athena Diagnostics and Quest Diagnostics Nichols Institute San Juan Capistrano); PubMed 33134171 (cited by 3 submitters); PubMed 32986223 (cited by 3 submitters); PubMed 28873162 (cited by 3 submitters); PubMed 19638463 (cited by 3 submitters); PubMed 28767289 (cited by 3 submitters); PubMed 28652578 (cited by 3 submitters); PubMed 11606401 (cited by 4 submitters); PubMed 22529920 (cited by 4 submitters); PubMed 19781682 (cited by 3 submitters); PubMed 26976419 (cited by 3 submitters); PubMed 10534763 (cited by 3 submitters); PubMed 27153395 (cited by 3 submitters); PubMed 27878467 (cited by 3 submitters); PubMed 29522266 (cited by 3 submitters); PubMed 27043212 (cited by Athena Diagnostics and Quest Diagnostics Nichols Institute San Juan Capistrano); PubMed 16631465 (cited by 3 submitters); PubMed 25980754 (cited by 3 submitters); PubMed 35264596 (cited by Athena Diagnostics and Quest Diagnostics Nichols Institute San Juan Capistrano); PubMed 36555667 (cited by Athena Diagnostics and Quest Diagnostics Nichols Institute San Juan Capistrano); PubMed 32885271 (cited by Athena Diagnostics and Quest Diagnostics Nichols Institute San Juan Capistrano); PubMed 37088804 (cited by Athena Diagnostics and Quest Diagnostics Nichols Institute San Juan Capistrano); PubMed 35085662 (cited by Athena Diagnostics and Quest Diagnostics Nichols Institute San Juan Capistrano).